The following is an entry in ClinVar:

NM_007215.4(POLG2):c.191A>G (p.Glu64Gly)

Genes: POLG2 (DNA polymerase gamma 2, accessory subunit; minus strand), MILR1 (mast cell immunoglobulin like receptor 1; plus strand). Cytogenetic location: 17q23.3.
Variant type: single nucleotide variant.
Coding change: c.191A>G on transcript NM_007215.4 (MANE Select); coding-DNA position 191, A replaced by G.
Protein change: p.Glu64Gly; replaces glutamic acid 64 with glycine.
Molecular consequence: missense variant.
Genome position (GRCh38, 1-based): chr17:64,496,778, T>C on the plus strand (A>G on the coding strand, the complement: POLG2 is on the minus strand). VCF-style: chr17-64496778-T-C. GRCh37 (hg19) VCF-style: chr17-62492896-T-C.
Other names: short protein forms E64G.
Identifiers: ClinVar variation 4809310 (VCV004809310.1).

ClinVar aggregate classification (germline): Uncertain significance (1 of 4 stars; one submission).

gnomAD v4.1: 5 of 1,613,546 alleles (0.00031%); highest among the groups gnomAD compares: East Asian, 0.011%; no homozygotes.

Submission:

Labcorp Genetics (formerly Invitae), Labcorp
Classification: Uncertain significance. Last evaluated: 2026-01-12. Review status: criteria provided, single submitter. Criteria: Invitae Variant Classification Sherloc (09022015). Collection method: clinical testing. Allele origin: germline.
Comment: This sequence change replaces glutamic acid, which is acidic and polar, with glycine, which is neutral and non-polar, at codon 64 of the POLG2 protein (p.Glu64Gly). This variant is not present in population databases (gnomAD no frequency). This variant has not been reported in the literature in individuals affected with POLG2-related conditions. An algorithm developed to predict the effect of missense changes on protein structure and function (PolyPhen-2) suggests that this variant is likely to be tolerated. In summary, the available evidence is currently insufficient to determine the role of this variant in disease. Therefore, it has been classified as a Variant of Uncertain Significance.